The following is an entry in ClinVar:

NM_000051.4(ATM):c.5261A>G (p.Lys1754Arg)

Gene: ATM (ATM serine/threonine kinase; plus strand). Cytogenetic location: 11q22.3.
Variant type: single nucleotide variant.
Coding change: c.5261A>G on transcript NM_000051.4 (MANE Select); coding-DNA position 5261, A replaced by G.
Protein change: p.Lys1754Arg; replaces lysine 1754 with arginine.
Molecular consequence: missense variant.
Genome position (GRCh38, 1-based): chr11:108,301,731, A>G. VCF-style: chr11-108301731-A-G. GRCh37 (hg19) VCF-style: chr11-108172458-A-G.
Other names: c.5261A>G, p.Lys1754Arg (NM_001351834.2); short protein forms K1754R.
Identifiers: ClinVar variation 2785934 (VCV002785934.4), dbSNP rs2135913937, ClinGen allele CA382542538.

ClinVar aggregate classification (germline): Uncertain significance. Review status: criteria provided, multiple submitters, no conflicts (2 of 4 stars). 2 submissions from 2 submitters: Uncertain significance (2). Last evaluated 2025-07-22.

Conditions:
Hereditary cancer-predisposing syndrome. Also called: Hereditary Cancer Syndrome; Hereditary neoplastic syndrome; Tumor predisposition; Neoplastic Syndromes, Hereditary. Identifiers: Orphanet 140162, MedGen C0027672, MeSH D009386, MONDO:0015356.
Ataxia-telangiectasia syndrome (AT). Also called: Cerebello-oculocutaneous telangiectasia; Immunodeficiency with ataxia telangiectasia; Ataxia-telangiectasia, complementation group E; Ataxia telangiectasia (A-T); LOUIS-BAR SYNDROME; ATAXIA-TELANGIECTASIA, COMPLEMENTATION GROUP A. Identifiers: Orphanet 100, MedGen C0004135, MONDO:0008840, OMIM 208900.

Submissions (2):

Ambry Genetics
Classification: Uncertain significance for Hereditary cancer-predisposing syndrome. Last evaluated: 2025-07-22. Review status: criteria provided, single submitter. Criteria: Ambry Variant Classification Scheme 2023. Collection method: clinical testing. Allele origin: germline.
Comment: The p.K1754R variant (also known as c.5261A>G), located in coding exon 34 of the ATM gene, results from an A to G substitution at nucleotide position 5261. The lysine at codon 1754 is replaced by arginine, an amino acid with highly similar properties. This amino acid position is conserved. In addition, the in silico prediction for this alteration is inconclusive. Based on the available evidence, the clinical significance of this variant remains unclear.

Labcorp Genetics (formerly Invitae), Labcorp
Classification: Uncertain significance for Ataxia-telangiectasia syndrome. Last evaluated: 2022-11-01. Review status: criteria provided, single submitter. Criteria: Invitae Variant Classification Sherloc (09022015). Collection method: clinical testing. Allele origin: germline.
Comment: In summary, the available evidence is currently insufficient to determine the role of this variant in disease. Therefore, it has been classified as a Variant of Uncertain Significance. Algorithms developed to predict the effect of missense changes on protein structure and function (SIFT, PolyPhen-2, Align-GVGD) all suggest that this variant is likely to be tolerated. This variant has not been reported in the literature in individuals affected with ATM-related conditions. This variant is not present in population databases (gnomAD no frequency). This sequence change replaces lysine, which is basic and polar, with arginine, which is basic and polar, at codon 1754 of the ATM protein (p.Lys1754Arg).